The following is an entry in ClinVar:

NM_004985.5(KRAS):c.112-12C>T

Gene: KRAS (KRAS proto-oncogene, GTPase; minus strand). Cytogenetic location: 12p12.1.
Variant type: single nucleotide variant.
Coding change: c.112-12C>T on transcript NM_004985.5 (MANE Select); 12 bases into the intron before coding-DNA position 112, C replaced by T.
Molecular consequence: intron variant.
Genome position (GRCh38, 1-based): chr12:25,227,424, G>A on the plus strand (C>T on the coding strand, the complement: KRAS is on the minus strand). VCF-style: chr12-25227424-G-A. GRCh37 (hg19) VCF-style: chr12-25380358-G-A.
Other names: c.112-12C>T (NM_001369787.1, NM_001369786.1, NM_033360.4).
Identifiers: ClinVar variation 1065170 (VCV001065170.10), dbSNP rs202104024, ClinGen allele CA6486916.

ClinVar aggregate classification (germline): Benign/Likely benign. Review status: criteria provided, multiple submitters, no conflicts (2 of 4 stars). 2 submissions from 2 submitters: Benign (1); Likely benign (1). Last evaluated 2025-11-24.

Conditions:
RASopathy. Also called: rasopathies; Noonan spectrum disorder. Identifiers: Orphanet 536391, MedGen C5555857, MONDO:0021060.

Allele frequency attached by ClinVar (database versions not stated): gnomAD 0.00001; gnomAD exomes 0.00002 and 0.00003; TOPMed 0.00002; ExAC 0.00004.
gnomAD v4.1: 35 of 1,612,992 alleles (0.0022%); highest among the groups gnomAD compares: Middle Eastern, 0.016%; no homozygotes.

Submissions (2):

Labcorp Genetics (formerly Invitae), Labcorp
Classification: Likely benign for RASopathy. Last evaluated: 2025-11-24. Review status: criteria provided, single submitter. Criteria: Invitae Variant Classification Sherloc (09022015). Collection method: clinical testing. Allele origin: germline.

Women's Health and Genetics/Laboratory Corporation of America, LabCorp
Classification: Benign. Last evaluated: 2024-09-22. Review status: criteria provided, single submitter. Criteria: LabCorp Variant Classification Summary - May 2015. Collection method: clinical testing. Allele origin: germline.
Comment: Variant summary: KRAS c.112-12C>T alters a conserved nucleotide located at a position not widely known to affect splicing. Consensus agreement among computation tools predict no significant impact on normal splicing. However, these predictions have yet to be confirmed by functional studies. The variant allele was found at a frequency of 2.2e-05 in 1612992 control chromosomes. The observed variant frequency is approximately 2 fold of the estimated maximal expected allele frequency for a pathogenic variant in KRAS causing Noonan Syndrome phenotype (1.3e-05). c.112-12C>T has been reported in the literature in individuals affected with Noonan Syndrome. These report(s) do not provide unequivocal conclusions about association of the variant with Noonan Syndrome. To our knowledge, no experimental evidence demonstrating an impact on protein function has been reported. ClinVar contains an entry for this variant (Variation ID: 1065170). Based on the evidence outlined above, the variant was classified as benign.

Literature cited by the submitters: PubMed 20972464 (cited by Women's Health and Genetics/Laboratory Corporation of America, LabCorp).